The following is an entry in ClinVar:

ClinVar aggregate classification (germline): Uncertain significance (1 of 4 stars; one submission).

Conditions:
PDE1C-related disorder. Also called: PDE1C-related condition.

gnomAD v4.1: 8 of 1,543,084 alleles (0.00052%); highest among the groups gnomAD compares: Admixed American, 0.005%; no homozygotes.

Submission:

PreventionGenetics, part of Exact Sciences
Classification: Uncertain significance for PDE1C-related condition. Last evaluated: 2026-02-24. Review status: criteria provided, single submitter. Criteria: ACMG Guidelines, 2015. Collection method: clinical testing. Allele origin: germline.
Comment: The PDE1C c.2069A>G variant is predicted to result in the amino acid substitution p.Asp690Gly. To our knowledge, this variant has not been reported in the literature. This variant is reported in 0.0058% of alleles in individuals of Latino descent in gnomAD. At this time, the clinical significance of this variant is uncertain due to the absence of conclusive functional and genetic evidence.

NM_001191057.4(PDE1C):c.1889A>G (p.Asp630Gly)

Gene: PDE1C (phosphodiesterase 1C; minus strand). Cytogenetic location: 7p14.3.
Variant type: single nucleotide variant.
Coding change: c.1889A>G on transcript NM_001191057.4 (MANE Select); coding-DNA position 1889, A replaced by G.
Protein change: p.Asp630Gly; replaces aspartic acid 630 with glycine.
Molecular consequence: missense variant.
Genome position (GRCh38, 1-based): chr7:31,809,033, T>C on the plus strand (A>G on the coding strand, the complement: PDE1C is on the minus strand). VCF-style: chr7-31809033-T-C. GRCh37 (hg19) VCF-style: chr7-31848647-T-C.
Other names: c.1889A>G, p.Asp630Gly (NM_001191056.3, NM_001191059.4, NM_001322055.2 and 3 more transcripts); c.2069A>G, p.Asp690Gly (NM_001191058.4, NM_001322058.2); c.2294A>G, p.Asp765Gly (NM_001322059.2); short protein forms D630G, D765G, D690G.
Identifiers: ClinVar variation 4983596 (VCV004983596.1).